The following is an entry in ClinVar:

ClinVar aggregate classification (germline): Uncertain significance (0 of 4 stars; one submission).

Conditions:
SH2B1-related disorder. Also called: SH2B1-related condition.

Submission:

PreventionGenetics, part of Exact Sciences
Classification: Uncertain significance for SH2B1-related condition. Last evaluated: 2023-12-04. Review status: no assertion criteria provided. Collection method: clinical testing. Allele origin: germline.
Comment: The SH2B1 c.888_893del6 variant is predicted to result in an in-frame deletion (p.Ser296_Gly298delinsArg). To our knowledge, this variant has not been reported in the literature or in a large population database, indicating this variant is rare. At this time, the clinical significance of this variant is uncertain due to the absence of conclusive functional and genetic evidence.

NM_001387430.1(SH2B1):c.888_893del (p.Ser296_Gly298delinsArg)

Gene: SH2B1 (SH2B adaptor protein 1; plus strand). Cytogenetic location: 16p11.2.
Variant type: Deletion.
Coding change: c.888_893del on transcript NM_001387430.1 (MANE Select); coding-DNA positions 888 to 893, 6 bases deleted (TGAAGG; older notation c.888_893delTGAAGG).
Protein change: p.Ser296_Gly298delinsArg.
Molecular consequence: inframe indel. On other transcripts: intron variant (1).
Genome position (GRCh38, 1-based): chr16:28,866,982-28,866,987, TGAAGG deleted; deleting any 6 consecutive bases within chr16:28,866,981-28,866,987 gives the same sequence; the c. name uses the placement nearest the transcript's 3' end. VCF-style (leftmost placement, unchanged base first): chr16-28866980-AGTGAAG-A. GRCh37 (hg19) VCF-style: chr16-28878301-AGTGAAG-A.
Other names: c.888_893del, p.Ser296_Gly298delinsArg (NM_001145795.2, NM_001145796.2, NM_001145797.2 and 4 more transcripts); c.-26-392_-26-387del (NM_001308294.2).
Identifiers: ClinVar variation 3348964 (VCV003348964.1).